The following is an entry in ClinVar:

NM_012079.6(DGAT1):c.155A>G (p.Asn52Ser)

Genes: DGAT1 (diacylglycerol O-acyltransferase 1; minus strand), LOC130001385 (ATAC-STARR-seq lymphoblastoid silent region 19672; plus strand). Cytogenetic location: 8q24.3.
Variant type: single nucleotide variant.
Coding change: c.155A>G on transcript NM_012079.6 (MANE Select); coding-DNA position 155, A replaced by G.
Protein change: p.Asn52Ser; replaces asparagine 52 with serine.
Molecular consequence: missense variant.
Genome position (GRCh38, 1-based): chr8:144,326,482, T>C on the plus strand (A>G on the coding strand, the complement: DGAT1 is on the minus strand). VCF-style: chr8-144326482-T-C. GRCh37 (hg19) VCF-style: chr8-145550145-T-C.
Other names: c.155A>G (NM_012079.4); short protein forms N52S.
Identifiers: ClinVar variation 2178030 (VCV002178030.2), dbSNP rs1393465924, ClinGen allele CA372613281.

ClinVar aggregate classification (germline): Conflicting classifications of pathogenicity. Review status: criteria provided, conflicting classifications (1 of 4 stars). 2 submissions from 2 submitters: Uncertain significance (1); Likely benign (1). Last evaluated 2023-09-19.

Conditions:
Inborn genetic diseases. Identifiers: MedGen C0950123, MeSH D030342.

Allele frequency attached by ClinVar (database versions not stated): gnomAD exomes 0.00001; gnomAD 0.00003; TOPMed 0.00004.

Submissions (2):

Ambry Genetics
Classification: Likely benign for Inborn genetic diseases. Last evaluated: 2023-09-19. Review status: criteria provided, single submitter. Criteria: Ambry Variant Classification Scheme 2023. Collection method: clinical testing. Allele origin: germline.

Labcorp Genetics (formerly Invitae), Labcorp
Classification: Uncertain significance. Last evaluated: 2022-09-13. Review status: criteria provided, single submitter. Criteria: Invitae Variant Classification Sherloc (09022015). Collection method: clinical testing. Allele origin: germline.
Comment: This sequence change replaces asparagine, which is neutral and polar, with serine, which is neutral and polar, at codon 52 of the DGAT1 protein (p.Asn52Ser). This variant is not present in population databases (gnomAD no frequency). This variant has not been reported in the literature in individuals affected with DGAT1-related conditions. Advanced modeling of protein sequence and biophysical properties (such as structural, functional, and spatial information, amino acid conservation, physicochemical variation, residue mobility, and thermodynamic stability) performed at Invitae indicates that this missense variant is not expected to disrupt DGAT1 protein function. In summary, the available evidence is currently insufficient to determine the role of this variant in disease. Therefore, it has been classified as a Variant of Uncertain Significance.